The following is an entry in ClinVar:

NM_000179.3(MSH6):c.3983dup (p.Ser1329fs)

Gene: MSH6 (mutS homolog 6; plus strand). Cytogenetic location: 2p16.3.
Variant type: Duplication.
Coding change: c.3983dup on transcript NM_000179.3 (MANE Select); coding-DNA position 3983, one base duplicated (A; older notation c.3983dupA).
Protein change: p.Ser1329fs; shifts the reading frame from serine 1329.
Molecular consequence: frameshift variant.
Genome position (GRCh38, 1-based): chr2:47,806,633, A duplicated. VCF-style (leftmost placement, unchanged base first): chr2-47806632-C-CA. GRCh37 (hg19) VCF-style: chr2-48033771-C-CA.
Other names: c.3593dup, p.Ser1199fs (NM_001281492.2); c.3077dup, p.Ser1027fs (NM_001281493.2, NM_001281494.2); c.4079dup, p.Ser1361Valfs (NM_001406795.1); c.3983dup, p.Ser1329Valfs (NM_001406796.1, NM_001406808.1, NM_001406809.1); c.3686dup, p.Ser1230Valfs (NM_001406797.1, NM_001406801.1, NM_001406805.1 and 10 more transcripts); c.3809dup, p.Ser1271Valfs (NM_001406798.1); c.3458dup, p.Ser1154Valfs (NM_001406799.1, NM_001406806.1, NM_001406807.1); c.*4dup (NM_001406800.1); and 10 more; short protein forms S1329fs, S1027fs, S1199fs.
Identifiers: ClinVar variation 1736716 (VCV001736716.2), dbSNP rs2530878062, ClinGen allele CA2580067533.

ClinVar aggregate classification (germline): Pathogenic (1 of 4 stars; one submission).

Conditions:
Hereditary cancer-predisposing syndrome. Also called: Neoplastic Syndromes, Hereditary; Tumor predisposition; Hereditary Cancer Syndrome; Hereditary neoplastic syndrome. Identifiers: Orphanet 140162, MedGen C0027672, MeSH D009386, MONDO:0015356.

Submission:

Ambry Genetics
Classification: Pathogenic for Hereditary cancer-predisposing syndrome. Last evaluated: 2021-05-21. Review status: criteria provided, single submitter. Criteria: Ambry Variant Classification Scheme 2023. Collection method: clinical testing. Allele origin: germline.
Comment: The c.3983dupA pathogenic mutation, located in coding exon 9 of the MSH6 gene, results from a duplication of A at nucleotide position 3983, causing a translational frameshift with a predicted alternate stop codon (p.S1329Vfs*12). This variant was not reported in population-based cohorts in the Genome Aggregation Database (gnomAD). This alteration occurs at the 3' terminus of theMSH6 gene, is not expected to trigger nonsense-mediated mRNA decay, and only impacts the last 32 AA of the protein. However, premature stop codons are typically deleterious in nature and the impacted region is critical for protein function (Ambry internal data). Based on the supporting evidence, this alteration is interpreted as a disease-causing mutation.